The following is an entry in ClinVar:

NM_015459.5(ATL3):c.405+6G>C

Genes: ATL3 (atlastin GTPase 3; minus strand), LNCROPM (lncRNA regulator of PLAAT3 mediated phospholipid metabolism; plus strand). Cytogenetic location: 11q13.1.
Variant type: single nucleotide variant.
Coding change: c.405+6G>C on transcript NM_015459.5 (MANE Select); 6 bases into the intron after coding-DNA position 405, G replaced by C.
Molecular consequence: intron variant.
Genome position (GRCh38, 1-based): chr11:63,658,755, C>G on the plus strand (G>C on the coding strand, the complement: ATL3 is on the minus strand). VCF-style: chr11-63658755-C-G. GRCh37 (hg19) VCF-style: chr11-63426227-C-G.
Other names: c.351+6G>C (NM_001290048.2).
Identifiers: ClinVar variation 955225 (VCV000955225.9), dbSNP rs1940333390, ClinGen allele CA1139661983.

ClinVar aggregate classification (germline): Uncertain significance (1 of 4 stars; one submission).

Conditions:
Neuropathy, hereditary sensory, type 1F. Also called: HSN IF; Hereditary sensory neuropathy type IF. Identifiers: Orphanet 36386, MedGen C3810194, MONDO:0014286, OMIM 615632.

Submission:

Labcorp Genetics (formerly Invitae), Labcorp
Classification: Uncertain significance for Neuropathy, hereditary sensory, type 1F. Last evaluated: 2019-11-06. Review status: criteria provided, single submitter. Criteria: Invitae Variant Classification Sherloc (09022015). Collection method: clinical testing. Allele origin: germline.
Comment: This sequence change falls in intron 3 of the ATL3 gene. It does not directly change the encoded amino acid sequence of the ATL3 protein, but it affects a nucleotide within the consensus splice site of the intron. This variant is not present in population databases (ExAC no frequency). This variant has not been reported in the literature in individuals with ATL3-related conditions. Nucleotide substitutions within the consensus splice site are a relatively common cause of aberrant splicing (PMID: 17576681, 9536098). Algorithms developed to predict the effect of sequence changes on RNA splicing suggest that this variant is not likely to affect RNA splicing, but this prediction has not been confirmed by published transcriptional studies. In summary, the available evidence is currently insufficient to determine the role of this variant in disease. Therefore, it has been classified as a Variant of Uncertain Significance.

Literature cited by the submitters: PubMed 17576681; PubMed 9536098.